The following is an entry in ClinVar:

ClinVar aggregate classification (germline): Uncertain significance. Review status: criteria provided, multiple submitters, no conflicts (2 of 4 stars). 2 submissions from 2 submitters: Uncertain significance (2). Last evaluated 2026-07-06.

Conditions:
Papillary renal cell carcinoma type 1 (RCCP1). Also called: RENAL CELL CARCINOMA, PAPILLARY, 1, SOMATIC; Renal adenocarcinoma; Renal cell carcinoma 1; Renal cell carcinoma, somatic. Identifiers: Orphanet 47044, MedGen C1336839, OMIM 605074, HP:0011797.
Hereditary cancer-predisposing syndrome. Also called: Neoplastic Syndromes, Hereditary; Tumor predisposition; Hereditary Cancer Syndrome; Hereditary neoplastic syndrome. Identifiers: Orphanet 140162, MedGen C0027672, MeSH D009386, MONDO:0015356.

Submissions (2):

Ambry Genetics
Classification: Uncertain significance for Hereditary cancer-predisposing syndrome. Last evaluated: 2026-07-06. Review status: criteria provided, single submitter. Criteria: Ambry Variant Classification Scheme 2023. Collection method: clinical testing. Allele origin: germline.
Comment: The p.T273A variant (also known as c.817A>G), located in coding exon 1 of the MET gene, results from an A to G substitution at nucleotide position 817. The threonine at codon 273 is replaced by alanine, an amino acid with similar properties. This amino acid position is conserved. In addition, this alteration is predicted to be tolerated by in silico analysis. Based on the available evidence, the clinical significance of this variant remains unclear.

Helix
Classification: Uncertain significance for Papillary renal cell carcinoma type 1. Last evaluated: 2026-02-20. Review status: criteria provided, single submitter. Criteria: ACMG Guidelines, 2015. Collection method: clinical testing. Allele origin: germline. Inheritance: Autosomal dominant inheritance.
Comment: This variant (NM_000245.4:c.817A>G p.Thr273Ala) results in the substitution of threonine with alanine at codon 273 in the MET protein. It is a rare variant that is absent from the large gnomAD population database (v4.1). To our knowledge, this variant has not been reported in individuals with MET-related conditions in the published literature. In silico prediction from REVEL (PMID: 27666373) suggests that this variant may be benign. In conclusion, since the available evidence is limited, the clinical significance of this variant is unclear at this time. Therefore, it is classified as a Variant of Uncertain Significance.

NM_000245.4(MET):c.817A>G (p.Thr273Ala)

Gene: MET (MET proto-oncogene, receptor tyrosine kinase; plus strand). Cytogenetic location: 7q31.2.
Variant type: single nucleotide variant.
Coding change: c.817A>G on transcript NM_000245.4 (MANE Select); coding-DNA position 817, A replaced by G.
Protein change: p.Thr273Ala; replaces threonine 273 with alanine.
Molecular consequence: missense variant. On other transcripts: intron variant (1).
Genome position (GRCh38, 1-based): chr7:116,699,901, A>G. VCF-style: chr7-116699901-A-G. GRCh37 (hg19) VCF-style: chr7-116339955-A-G.
Other names: c.817A>G (NM_000245.2); c.817A>G, p.Thr273Ala (NM_001127500.3, NM_001324401.3); c.-91+27324A>G (NM_001324402.2); short protein forms T273A.
Identifiers: ClinVar variation 4890803 (VCV004890803.2).
Genomic context (GRCh38, chr7:116,699,901, plus strand): 5'-TTTGAAAGCAACAATTTTATTTACTTCTTGACGGTCCAAAGGGAAACTCTAGATGCTCAG[A>G]CTTTTCACACAAGAATAATCAGGTTCTGTTCCATAAACTCTGGATTGCATTCCTACATGG-3'
Protein context (NP_000236.2, residues 263-283): TVQRETLDAQ[Thr273Ala]FHTRIIRFCS